The following is an entry in ClinVar:

NM_002875.5(RAD51):c.402C>T (p.Thr134=)

Gene: RAD51 (RAD51 recombinase; plus strand). Cytogenetic location: 15q15.1.
Variant type: single nucleotide variant.
Coding change: c.402C>T on transcript NM_002875.5 (MANE Select); coding-DNA position 402, C replaced by T.
Protein change: p.Thr134=; no amino-acid change (threonine 134 retained).
Molecular consequence: synonymous variant.
Genome position (GRCh38, 1-based): chr15:40,709,083, C>T. VCF-style: chr15-40709083-C-T. GRCh37 (hg19) VCF-style: chr15-41001281-C-T.
Other names: c.405C>T, p.Thr135= (NM_001164269.2, NM_133487.4); c.402C>T, p.Thr134= (NM_001164270.2).
Identifiers: ClinVar variation 436483 (VCV000436483.16), dbSNP rs774860635, ClinGen allele CA7483998.

ClinVar aggregate classification (germline): Likely benign. Review status: criteria provided, multiple submitters, no conflicts (2 of 4 stars). 4 submissions from 4 submitters: Likely benign (4). Last evaluated 2026-08-01.

Conditions:
Inborn genetic diseases. Identifiers: MedGen C0950123, MeSH D030342.

Allele frequency attached by ClinVar (database versions not stated): gnomAD 0.00001; TOPMed 0.00001; gnomAD exomes 0.00003 and 0.00005; ExAC 0.00007.
gnomAD v4.1: 45 of 1,613,834 alleles (0.0028%); highest among the groups gnomAD compares: South Asian, 0.021%; no homozygotes.

Submissions (4):

CeGaT Center for Human Genetics Tuebingen
Classification: Likely benign. Last evaluated: 2026-08-01. Review status: criteria provided, single submitter. Criteria: CeGaT Center For Human Genetics Tuebingen Variant Classification Criteria Version 2. Collection method: clinical testing. Allele origin: germline. Affected: yes. Observed: 1 variant allele.
Comment: RAD51: BP4, BP7

Labcorp Genetics (formerly Invitae), Labcorp
Classification: Likely benign. Last evaluated: 2025-08-20. Review status: criteria provided, single submitter. Criteria: Invitae Variant Classification Sherloc (09022015). Collection method: clinical testing. Allele origin: germline.

Ambry Genetics
Classification: Likely benign for Inborn genetic diseases. Last evaluated: 2022-03-31. Review status: criteria provided, single submitter. Criteria: Ambry Variant Classification Scheme 2023. Collection method: clinical testing. Allele origin: germline.

Genetic Services Laboratory, University of Chicago
Classification: Likely benign. Last evaluated: 2016-06-27. Review status: criteria provided, single submitter. Criteria: ACMG Guidelines, 2015. Collection method: clinical testing. Allele origin: germline. Affected: no.